The following is an entry in ClinVar:

NM_206933.4(USH2A):c.5896T>C (p.Leu1966=)

Gene: USH2A (usherin; minus strand). Cytogenetic location: 1q41.
Variant type: single nucleotide variant.
Coding change: c.5896T>C on transcript NM_206933.4 (MANE Select); coding-DNA position 5896, T replaced by C.
Protein change: p.Leu1966=; no amino-acid change (leucine 1966 retained).
Molecular consequence: synonymous variant.
Genome position (GRCh38, 1-based): chr1:216,070,254, A>G on the plus strand (T>C on the coding strand, the complement: USH2A is on the minus strand). VCF-style: chr1-216070254-A-G. GRCh37 (hg19) VCF-style: chr1-216243596-A-G.
Identifiers: ClinVar variation 3037018 (VCV003037018.2), dbSNP rs2527770027, ClinGen allele CA423319841.

ClinVar aggregate classification (germline): Likely benign (0 of 4 stars; one submission).

Conditions:
USH2A-related disorder. Also called: USH2A-related condition; USH2A-related disorders. Identifiers: MedGen CN239332.

Submission:

PreventionGenetics, part of Exact Sciences
Classification: Likely benign for USH2A-related condition. Last evaluated: 2020-07-29. Review status: no assertion criteria provided. Collection method: clinical testing. Allele origin: germline.
Comment: This variant is classified as likely benign based on ACMG/AMP sequence variant interpretation guidelines (Richards et al. 2015 PMID: 25741868, with internal and published modifications).